The following is an entry in ClinVar:

ClinVar aggregate classification (germline): Uncertain significance (1 of 4 stars; one submission).

Allele frequency attached by ClinVar (database versions not stated): gnomAD exomes below 0.00001.
gnomAD v4.1: 1 of 1,613,124 alleles (0.000062%); highest among the groups gnomAD compares: Non-Finnish European, 0.000085%; no homozygotes.

Submission:

Labcorp Genetics (formerly Invitae), Labcorp
Classification: Uncertain significance. Last evaluated: 2023-06-03. Review status: criteria provided, single submitter. Criteria: Invitae Variant Classification Sherloc (09022015). Collection method: clinical testing. Allele origin: germline.
Comment: In summary, the available evidence is currently insufficient to determine the role of this variant in disease. Therefore, it has been classified as a Variant of Uncertain Significance. Advanced modeling of protein sequence and biophysical properties (such as structural, functional, and spatial information, amino acid conservation, physicochemical variation, residue mobility, and thermodynamic stability) performed at Invitae indicates that this missense variant is expected to disrupt TONSL protein function. This variant has not been reported in the literature in individuals affected with TONSL-related conditions. This variant is not present in population databases (gnomAD no frequency). This sequence change replaces leucine, which is neutral and non-polar, with arginine, which is basic and polar, at codon 320 of the TONSL protein (p.Leu320Arg).

NM_013432.5(TONSL):c.959T>G (p.Leu320Arg)

Gene: TONSL (tonsoku like, DNA repair protein; minus strand). Cytogenetic location: 8q24.3.
Variant type: single nucleotide variant.
Coding change: c.959T>G on transcript NM_013432.5 (MANE Select); coding-DNA position 959, T replaced by G.
Protein change: p.Leu320Arg; replaces leucine 320 with arginine.
Molecular consequence: missense variant.
Genome position (GRCh38, 1-based): chr8:144,441,018, A>C on the plus strand (T>G on the coding strand, the complement: TONSL is on the minus strand). VCF-style: chr8-144441018-A-C. GRCh37 (hg19) VCF-style: chr8-145666401-A-C.
Other names: short protein forms L320R.
Identifiers: ClinVar variation 2761386 (VCV002761386.1), dbSNP rs2537503303, ClinGen allele CA372673750.
Genomic context (GRCh38, chr8:144,441,018, plus strand): 5'-CCACACACCTGCTTCTGGTAAGCCTCAGCTGCCCTGGGAAAGTCTCCTGCCTTGGAGAAG[A>C]GGTCCCCTAGCTGCTCACAGATGACCATGGCACCCTGAGGGTCTCTGCCCTCAGCCTCTT-3'
Protein context (NP_038460.4, residues 310-330): AMVICEQLGD[Leu320Arg]FSKAGDFPRA